The following is an entry in ClinVar:

NM_001122769.3(LCA5):c.1291_1292del (p.Glu431fs)

Gene: LCA5 (lebercilin LCA5; minus strand). Cytogenetic location: 6q14.1.
Variant type: Microsatellite.
Coding change: c.1291_1292del on transcript NM_001122769.3 (MANE Select); coding-DNA positions 1291 to 1292, 2 bases deleted (GA; older notation c.1291_1292delGA).
Protein change: p.Glu431fs; shifts the reading frame from glutamic acid 431.
Molecular consequence: frameshift variant.
Genome position (GRCh38, 1-based): chr6:79,487,806-79,487,807, TC deleted on the plus strand (GA on the coding strand, the reverse complement: LCA5 is on the minus strand); deleting any 2 consecutive bases within chr6:79,487,806-79,487,810 gives the same sequence; the c. name uses the placement nearest the transcript's 3' end. VCF-style (leftmost placement, unchanged base first): chr6-79487805-TTC-T. GRCh37 (hg19) VCF-style: chr6-80197522-TTC-T.
Other names: c.1291_1292del, p.Glu431fs (NM_181714.4); short protein forms E431fs.
Identifiers: ClinVar variation 2762313 (VCV002762313.3), dbSNP rs2533370854, ClinGen allele CA2697553615.

ClinVar aggregate classification (germline): Pathogenic (1 of 4 stars; one submission).

Submission:

Labcorp Genetics (formerly Invitae), Labcorp
Classification: Pathogenic. Last evaluated: 2023-09-21. Review status: criteria provided, single submitter. Criteria: Invitae Variant Classification Sherloc (09022015). Collection method: clinical testing. Allele origin: germline.
Comment: For these reasons, this variant has been classified as Pathogenic. This variant disrupts a region of the LCA5 protein in which other variant(s) (p.Lys586*) have been determined to be pathogenic (PMID: 23946133, 27624628). This suggests that this is a clinically significant region of the protein, and that variants that disrupt it are likely to be disease-causing. This variant has not been reported in the literature in individuals affected with LCA5-related conditions. This variant is not present in population databases (gnomAD no frequency). This sequence change creates a premature translational stop signal (p.Glu431Argfs*22) in the LCA5 gene. While this is not anticipated to result in nonsense mediated decay, it is expected to disrupt the last 267 amino acid(s) of the LCA5 protein.

Literature cited by the submitters: PubMed 23946133; PubMed 27624628.